The following is an entry in ClinVar:

ClinVar aggregate classification (germline): Uncertain significance (1 of 4 stars; one submission).

Submission:

Labcorp Genetics (formerly Invitae), Labcorp
Classification: Uncertain significance. Last evaluated: 2023-01-09. Review status: criteria provided, single submitter. Criteria: Invitae Variant Classification Sherloc (09022015). Collection method: clinical testing. Allele origin: germline.
Comment: Advanced modeling of protein sequence and biophysical properties (such as structural, functional, and spatial information, amino acid conservation, physicochemical variation, residue mobility, and thermodynamic stability) performed at Invitae indicates that this missense variant is not expected to disrupt MYH3 protein function. In summary, the available evidence is currently insufficient to determine the role of this variant in disease. Therefore, it has been classified as a Variant of Uncertain Significance. This variant has not been reported in the literature in individuals affected with MYH3-related conditions. This variant is not present in population databases (gnomAD no frequency). This sequence change replaces aspartic acid, which is acidic and polar, with glycine, which is neutral and non-polar, at codon 929 of the MYH3 protein (p.Asp929Gly).

NM_002470.4(MYH3):c.2786A>G (p.Asp929Gly)

Gene: MYH3 (myosin heavy chain 3; minus strand). Cytogenetic location: 17p13.1.
Variant type: single nucleotide variant.
Coding change: c.2786A>G on transcript NM_002470.4 (MANE Select); coding-DNA position 2786, A replaced by G.
Protein change: p.Asp929Gly; replaces aspartic acid 929 with glycine.
Molecular consequence: missense variant.
Genome position (GRCh38, 1-based): chr17:10,639,699, T>C on the plus strand (A>G on the coding strand, the complement: MYH3 is on the minus strand). VCF-style: chr17-10639699-T-C. GRCh37 (hg19) VCF-style: chr17-10543016-T-C.
Other names: short protein forms D929G.
Identifiers: ClinVar variation 2820713 (VCV002820713.3), dbSNP rs2508599125, ClinGen allele CA398157651.
Genomic context (GRCh38, chr17:10,639,699, plus strand): 5'-GAGCATTCATCCTCCAGTTTCCTCTTCTTGGCCGTCAGCTCAGCATTGATCTCCTCCTCA[T>C]CTTCAGCTCTCTCTGTCACCTCCTTGATCTTGGCCTCGAGCTGGAATTTGGCTTTGATCA-3'
Protein context (NP_002461.2, residues 919-939): KIKEVTERAE[Asp929Gly]EEEINAELTA